The following is an entry in ClinVar:

NM_001165963.4(SCN1A):c.4875_4918dup (p.Leu1640delinsGlnLysSerIleSerCysProLeuProCysSerGluTer)

Genes: SCN1A (sodium voltage-gated channel alpha subunit 1; minus strand), LOC102724058 (uncharacterized LOC102724058; plus strand). Cytogenetic location: 2q24.3.
Variant type: Duplication.
Coding change: c.4875_4918dup on transcript NM_001165963.4 (MANE Select); coding-DNA positions 4875 to 4918, 44 bases duplicated.
Protein change: p.Leu1640delinsGlnLysSerIleSerCysProLeuProCysSerGluTer.
Molecular consequence: nonsense. On other transcripts: non-coding transcript variant (1).
Genome position (GRCh38, 1-based): chr2:165,992,357-165,992,400, 44 bases duplicated. GRCh37 (hg19): chr2:166,848,867-166,848,910.
Other names: c.4791_4834dup, p.Leu1612delinsGlnLysSerIleSerCysProLeuProCysSerGluTer (NM_001165964.3, NM_001353957.2, NM_001353958.2); c.4875_4918dup, p.Leu1640delinsGlnLysSerIleSerCysProLeuProCysSerGluTer (NM_001202435.3, NM_001353948.2); c.4842_4885dup, p.Leu1629delinsGlnLysSerIleSerCysProLeuProCysSerGluTer (NM_001353949.2, NM_001353950.2, NM_001353951.2 and 2 more transcripts); c.4839_4882dup, p.Leu1628delinsGlnLysSerIleSerCysProLeuProCysSerGluTer (NM_001353954.2, NM_001353955.2); c.4788_4831dup, p.Leu1611delinsGlnLysSerIleSerCysProLeuProCysSerGluTer (NM_001353960.2); c.2433_2476dup, p.Leu826delinsGlnLysSerIleSerCysProLeuProCysSerGluTer (NM_001353961.2).
Identifiers: ClinVar variation 1412045 (VCV001412045.9), dbSNP rs2105434895, ClinGen allele CA2573133699.

ClinVar aggregate classification (germline): Pathogenic (1 of 4 stars; one submission).

Conditions:
Early-infantile DEE. Also called: Early infantile epileptic encephalopathy; Ohtahara syndrome; Early infantile epileptic encephalopathy with suppression bursts. Identifiers: Orphanet 1934, MedGen C0393706, MONDO:0800491.

Submission:

Labcorp Genetics (formerly Invitae), Labcorp
Classification: Pathogenic for Early-infantile DEE. Last evaluated: 2023-11-01. Review status: criteria provided, single submitter. Criteria: Invitae Variant Classification Sherloc (09022015). Collection method: clinical testing. Allele origin: germline.
Comment: This sequence change creates a premature translational stop signal (p.Leu1640Glnfs*13) in the SCN1A gene. While this is not anticipated to result in nonsense mediated decay, it is expected to disrupt the last 370 amino acid(s) of the SCN1A protein. This variant is not present in population databases (gnomAD no frequency). This variant has not been reported in the literature in individuals affected with SCN1A-related conditions. ClinVar contains an entry for this variant (Variation ID: 1412045). This variant disrupts a region of the SCN1A protein in which other variant(s) (p.Arg1912*) have been determined to be pathogenic (PMID: 14738421, 20522430, 23195492; Invitae). This suggests that this is a clinically significant region of the protein, and that variants that disrupt it are likely to be disease-causing. For these reasons, this variant has been classified as Pathogenic.

Literature cited by the submitters: PubMed 14738421; PubMed 20522430; PubMed 23195492.